The following is an entry in ClinVar:

NM_000080.4(CHRNE):c.1019C>G (p.Pro340Arg)

Gene: CHRNE (cholinergic receptor nicotinic epsilon subunit; minus strand). Cytogenetic location: 17p13.2.
Variant type: single nucleotide variant.
Coding change: c.1019C>G on transcript NM_000080.4 (MANE Select); coding-DNA position 1019, C replaced by G.
Protein change: p.Pro340Arg; replaces proline 340 with arginine.
Molecular consequence: missense variant.
Genome position (GRCh38, 1-based): chr17:4,899,481, G>C on the plus strand (C>G on the coding strand, the complement: CHRNE is on the minus strand). VCF-style: chr17-4899481-G-C. GRCh37 (hg19) VCF-style: chr17-4802776-G-C.
Other names: short protein forms P340R.
Identifiers: ClinVar variation 970144 (VCV000970144.6), dbSNP rs139922367, ClinGen allele CA8314076.

ClinVar aggregate classification (germline): Uncertain significance. Review status: criteria provided, multiple submitters, no conflicts (2 of 4 stars). 3 submissions from 3 submitters: Uncertain significance (2). 1 of the submissions does not count toward it. Last evaluated 2024-10-29.

Conditions:
Congenital myasthenic syndrome (CMS). Also called: Congenital Myasthenic Syndromes. Identifiers: Orphanet 590, MedGen C0751882, MeSH D020294, MONDO:0018940.
Congenital myasthenic syndrome 4A. Also called: Myasthenic syndrome, congenital, 4a, slow-channel; MYASTHENIC SYNDROME, CONGENITAL, 4A, SLOW-CHANNEL, AUTOSOMAL RECESSIVE; CONGENITAL MYASTHENIC SYNDROME TYPE Ia1. Identifiers: Orphanet 590, MedGen C4225413, MONDO:0011600, OMIM 605809.
Inborn genetic diseases. Identifiers: MedGen C0950123, MeSH D030342.

Allele frequency attached by ClinVar (database versions not stated): TOPMed 0.00004.
gnomAD v4.1: 104 of 1,597,416 alleles (0.0065%); highest among the groups gnomAD compares: Non-Finnish European, 0.0083%; no homozygotes.

Submissions (3):

Ambry Genetics
Classification: Uncertain significance for Inborn genetic diseases. Last evaluated: 2024-10-29. Review status: criteria provided, single submitter. Criteria: Ambry Variant Classification Scheme 2023. Collection method: clinical testing. Allele origin: germline.

Labcorp Genetics (formerly Invitae), Labcorp
Classification: Uncertain significance for Congenital myasthenic syndrome 4A. Last evaluated: 2024-02-20. Review status: criteria provided, single submitter. Criteria: Invitae Variant Classification Sherloc (09022015). Collection method: clinical testing. Allele origin: germline.
Comment: This sequence change replaces proline, which is neutral and non-polar, with arginine, which is basic and polar, at codon 340 of the CHRNE protein (p.Pro340Arg). This variant is present in population databases (rs139922367, gnomAD 0.01%). This variant has not been reported in the literature in individuals affected with CHRNE-related conditions. ClinVar contains an entry for this variant (Variation ID: 970144). Advanced modeling of protein sequence and biophysical properties (such as structural, functional, and spatial information, amino acid conservation, physicochemical variation, residue mobility, and thermodynamic stability) performed at Invitae indicates that this missense variant is not expected to disrupt CHRNE protein function with a negative predictive value of 95%. In summary, the available evidence is currently insufficient to determine the role of this variant in disease. Therefore, it has been classified as a Variant of Uncertain Significance.

Natera, Inc.
Classification: Uncertain significance for Congenital myasthenic syndrome. Last evaluated: 2020-03-18. Review status: no assertion criteria provided. Collection method: clinical testing. Allele origin: germline. Not counted in ClinVar's aggregate classification.